The following is an entry in ClinVar:

ClinVar aggregate classification (germline): Pathogenic (1 of 4 stars; one submission).

Conditions:
Hereditary cancer-predisposing syndrome. Also called: Hereditary Cancer Syndrome; Tumor predisposition; Hereditary neoplastic syndrome; Neoplastic Syndromes, Hereditary. Identifiers: Orphanet 140162, MedGen C0027672, MeSH D009386, MONDO:0015356.

Submission:

Ambry Genetics
Classification: Pathogenic for Hereditary cancer-predisposing syndrome. Last evaluated: 2024-08-08. Review status: criteria provided, single submitter. Criteria: Ambry Variant Classification Scheme 2023. Collection method: clinical testing. Allele origin: germline.
Comment: The c.3434_3435delGA pathogenic mutation, located in coding exon 5 of the MSH6 gene, results from a deletion of two nucleotides at nucleotide positions 3434 to 3435, causing a translational frameshift with a predicted alternate stop codon (p.R1145Tfs*18). This variant is considered to be rare based on population cohorts in the Genome Aggregation Database (gnomAD). This alteration is expected to result in loss of function by premature protein truncation or nonsense-mediated mRNA decay. As such, this alteration is interpreted as a disease-causing mutation.

NM_000179.3(MSH6):c.3434_3435del (p.Arg1145fs)

Gene: MSH6 (mutS homolog 6; plus strand). Cytogenetic location: 2p16.3.
Variant type: Microsatellite.
Coding change: c.3434_3435del on transcript NM_000179.3 (MANE Select); coding-DNA positions 3434 to 3435, 2 bases deleted (GA; older notation c.3434_3435delGA).
Protein change: p.Arg1145fs; shifts the reading frame from arginine 1145.
Molecular consequence: frameshift variant. On other transcripts: non-coding transcript variant (5).
Genome position (GRCh38, 1-based): chr2:47,803,681-47,803,682, GA deleted; deleting any 2 consecutive bases within chr2:47,803,679-47,803,682 gives the same sequence; the c. name uses the placement nearest the transcript's 3' end. VCF-style (leftmost placement, unchanged base first): chr2-47803678-TGA-T. GRCh37 (hg19) VCF-style: chr2-48030817-TGA-T.
Other names: c.3434_3435delGA (NM_000179.2); c.3432_3433GA[1], p.Arg1145Thrfs (NM_000179.2); c.3044_3045del, p.Arg1015fs (NM_001281492.2); c.2528_2529del, p.Arg843fs (NM_001281493.2, NM_001281494.2, NM_001406811.1 and 6 more transcripts); c.3530_3531del, p.Arg1177fs (NM_001406795.1, NM_001406802.1); c.3434_3435del, p.Arg1145fs (NM_001406796.1, NM_001406800.1, NM_001406808.1 and 1 more transcripts); c.3137_3138del, p.Arg1046fs (NM_001406797.1, NM_001406801.1, NM_001406805.1 and 10 more transcripts); c.3260_3261del, p.Arg1087fs (NM_001406798.1); and 9 more; short protein forms R857fs, R970fs, R1015fs, R1087fs, R1147fs, R1177fs, R94fs, R1119fs.
Identifiers: ClinVar variation 3398883 (VCV003398883.1).